The following is an entry in ClinVar:

NM_006389.5(HYOU1):c.289C>A (p.Leu97Ile)

Gene: HYOU1 (hypoxia up-regulated 1; minus strand). Cytogenetic location: 11q23.3.
Variant type: single nucleotide variant.
Coding change: c.289C>A on transcript NM_006389.5 (MANE Select); coding-DNA position 289, C replaced by A.
Protein change: p.Leu97Ile; replaces leucine 97 with isoleucine.
Molecular consequence: missense variant.
Genome position (GRCh38, 1-based): chr11:119,055,315, G>T on the plus strand (C>A on the coding strand, the complement: HYOU1 is on the minus strand). VCF-style: chr11-119055315-G-T. GRCh37 (hg19) VCF-style: chr11-118926027-G-T.
Other names: c.289C>A, p.Leu97Ile (NM_001130991.3, NM_001411041.1); short protein forms L97I.
Identifiers: ClinVar variation 2814557 (VCV002814557.3), dbSNP rs2497206952, ClinGen allele CA382953272.

ClinVar aggregate classification (germline): Uncertain significance (1 of 4 stars; one submission).

Allele frequency attached by ClinVar (database versions not stated): gnomAD exomes below 0.00001.
gnomAD v4.1: 1 of 1,613,836 alleles (0.000062%); highest among the groups gnomAD compares: Non-Finnish European, 0.000085%; no homozygotes.

Submission:

Labcorp Genetics (formerly Invitae), Labcorp
Classification: Uncertain significance. Last evaluated: 2022-11-15. Review status: criteria provided, single submitter. Criteria: Invitae Variant Classification Sherloc (09022015). Collection method: clinical testing. Allele origin: germline.
Comment: In summary, the available evidence is currently insufficient to determine the role of this variant in disease. Therefore, it has been classified as a Variant of Uncertain Significance. Algorithms developed to predict the effect of missense changes on protein structure and function are either unavailable or do not agree on the potential impact of this missense change (SIFT: "Not Available"; PolyPhen-2: "Benign"; Align-GVGD: "Not Available"). This variant has not been reported in the literature in individuals affected with HYOU1-related conditions. This variant is not present in population databases (gnomAD no frequency). This sequence change replaces leucine, which is neutral and non-polar, with isoleucine, which is neutral and non-polar, at codon 97 of the HYOU1 protein (p.Leu97Ile).